The following is an entry in ClinVar:

ClinVar aggregate classification (germline): Uncertain significance (1 of 4 stars; one submission).

Conditions:
Hypertrichotic osteochondrodysplasia Cantu type. Also called: Cantu Syndrome; Cantú Syndrome. Identifiers: Orphanet 1517, MedGen C0795905, MONDO:0009406, OMIM 239850.

Submission:

3billion
Classification: Uncertain significance for Hypertrichotic osteochondrodysplasia Cantu type. Last evaluated: 2024-08-02. Review status: criteria provided, single submitter. Criteria: ACMG Guidelines, 2015. Collection method: clinical testing. Allele origin: germline. Affected: yes.
Comment: The variant is not observed in the gnomAD v4.0.0 dataset. Predicted Consequence/Location: Missense changes are a common disease-causing mechanism. In silico tool predictions suggest damaging effect of the variant on gene or gene product [REVEL: 0.95 (>=0.6, sensitivity 0.68 and specificity 0.92)]. Therefore, this variant is classified as VUS according to the recommendation of ACMG/AMP guideline.

NM_020297.4(ABCC9):c.1454T>A (p.Leu485His)

Gene: ABCC9 (ATP binding cassette subfamily C member 9; minus strand). Cytogenetic location: 12p12.1.
Variant type: single nucleotide variant.
Coding change: c.1454T>A on transcript NM_020297.4 (MANE Select); coding-DNA position 1454, T replaced by A.
Protein change: p.Leu485His; replaces leucine 485 with histidine.
Molecular consequence: missense variant.
Genome position (GRCh38, 1-based): chr12:21,908,078, A>T on the plus strand (T>A on the coding strand, the complement: ABCC9 is on the minus strand). VCF-style: chr12-21908078-A-T. GRCh37 (hg19) VCF-style: chr12-22061012-A-T.
Other names: c.1454T>A, p.Leu485His (NM_001377273.1, NM_005691.4); c.590T>A, p.Leu197His (NM_001377274.1); short protein forms L197H, L485H.
Identifiers: ClinVar variation 4292471 (VCV004292471.1).